The following is an entry in ClinVar:

ClinVar aggregate classification (germline): Likely pathogenic (1 of 4 stars; one submission).

Conditions:
Hereditary breast ovarian cancer syndrome. Also called: Breast and ovarian cancer; Hereditary breast and ovarian cancer; Hereditary breast and/or ovarian cancer syndrome; BRCA1- and BRCA2-Associated Hereditary Breast and Ovarian Cancer; Hereditary breast and ovarian cancer syndrome (HBOC); Hereditary breast and ovarian cancer syndrome. Identifiers: Orphanet 145, MedGen C0677776, MeSH D061325, MONDO:0003582. Disease mechanism: loss of function.

Submission:

Labcorp Genetics (formerly Invitae), Labcorp
Classification: Likely pathogenic for Hereditary breast ovarian cancer syndrome. Last evaluated: 2016-10-23. Review status: criteria provided, single submitter. Criteria: Invitae Variant Classification Sherloc (09022015). Collection method: clinical testing. Allele origin: germline.
Comment: This variant is a gross duplication of the genomic region encompassing exons 12-13 of the BRCA1 gene. While the exact position of the duplicated exons cannot be determined from this data, the duplicated copy of this region is likely in tandem and may result in an absent or disrupted protein product. While this particular variant has not been reported in the literature, loss-of-function variants in BRCA1 are known to be pathogenic (PMID: 20104584). In summary, sub-genic duplications are generally in tandem (PMID: 25640679), and result in an absent or disrupted protein. However, the exact location of this duplication has not been confirmed. Therefore, it has been classified as Likely Pathogenic.

NC_000017.10:g.(?_41228505)_(41234592_?)dup

Gene: BRCA1 (BRCA1 DNA repair associated; minus strand). Cytogenetic location: 17q21.31.
Variant type: Duplication.
Identifiers: ClinVar variation 417466 (VCV000417466.1).